The following is an entry in ClinVar:

NM_001360016.2(G6PD):c.220C>T (p.Arg74Cys)

Gene: G6PD (glucose-6-phosphate dehydrogenase; minus strand). Cytogenetic location: Xq28.
Variant type: single nucleotide variant.
Coding change: c.220C>T on transcript NM_001360016.2 (MANE Select); coding-DNA position 220, C replaced by T.
Protein change: p.Arg74Cys; replaces arginine 74 with cysteine.
Molecular consequence: missense variant.
Genome position (GRCh38, 1-based): chrX:154,535,984, G>A on the plus strand (C>T on the coding strand, the complement: G6PD is on the minus strand). VCF-style: chrX-154535984-G-A. GRCh37 (hg19) VCF-style: chrX-153764199-G-A.
Other names: c.310C>T, p.Arg104Cys (NM_000402.4); c.220C>T, p.Arg74Cys (NM_001042351.3); short protein forms R74C, R104C.
Identifiers: ClinVar variation 1392994 (VCV001392994.6), dbSNP rs781848254, ClinGen allele CA10566300.
Genomic context (GRCh38, chrX:154,535,984, plus strand): 5'-TGACACCACCCACCTTGAAGAAGGGCTCACTCTGTTTGCGGATGTCAGCCACTGTGAGGC[G>A]GGAACGGGCATAGCCCACGATGAAGGTGTTTTCGGGCAGAAGGCCATCCCGGAACAGCCA-3'
Protein context (NP_001346945.1, residues 64-84): NTFIVGYARS[Arg74Cys]LTVADIRKQS

ClinVar aggregate classification (germline): Uncertain significance (1 of 4 stars; one submission).

Conditions:
Anemia, nonspherocytic hemolytic, due to G6PD deficiency (CNSHA1). Also called: Hemolytic anemia due to G6PD deficiency; ANEMIA, CONGENITAL, NONSPHEROCYTIC HEMOLYTIC, 1; Class I glucose-6-phosphate dehydrogenase deficiency; Favism, susceptibility to. Identifiers: Orphanet 466026, MedGen C2720289, MONDO:0010480, OMIM 300908.

Allele frequency attached by ClinVar (database versions not stated): gnomAD 0.00002; gnomAD exomes 0.00002 and 0.00004; TOPMed 0.00003; ExAC 0.00005.
gnomAD v4.1: 23 of 1,210,289 alleles (0.0019%); highest among the groups gnomAD compares: South Asian, 0.007%; no homozygotes.

Submission:

Labcorp Genetics (formerly Invitae), Labcorp
Classification: Uncertain significance for Anemia, nonspherocytic hemolytic, due to G6PD deficiency. Last evaluated: 2026-02-02. Review status: criteria provided, single submitter. Criteria: Invitae Variant Classification Sherloc (09022015). Collection method: clinical testing. Allele origin: germline.
Comment: This sequence change replaces arginine, which is basic and polar, with cysteine, which is neutral and slightly polar, at codon 74 of the G6PD protein (p.Arg74Cys). This variant is present in population databases (rs781848254, gnomAD 0.02%). This variant has not been reported in the literature in individuals affected with G6PD-related conditions. ClinVar contains an entry for this variant (Variation ID: 1392994). Invitae Evidence Modeling of protein sequence and biophysical properties (such as structural, functional, and spatial information, amino acid conservation, physicochemical variation, residue mobility, and thermodynamic stability) has been performed for this missense variant. However, the output from this modeling did not meet the statistical confidence thresholds required to predict the impact of this variant on G6PD protein function. In summary, the available evidence is currently insufficient to determine the role of this variant in disease. Therefore, it has been classified as a Variant of Uncertain Significance.